The following is an entry in ClinVar:

ClinVar aggregate classification (germline): Uncertain significance (1 of 4 stars; one submission).

Submission:

GeneDx
Classification: Uncertain significance. Last evaluated: 2023-06-26. Review status: criteria provided, single submitter. Criteria: GeneDx Variant Classification Process June 2021. Collection method: clinical testing. Allele origin: germline. Affected: yes.
Comment: Not observed at significant frequency in large population cohorts (gnomAD); Frameshift variant predicted to result in protein truncation or nonsense mediated decay in a gene for which loss-of-function is not a known mechanism of disease; Has not been previously published as pathogenic or benign to our knowledge

NM_014754.3(PTDSS1):c.667del (p.Leu223fs)

Gene: PTDSS1 (phosphatidylserine synthase 1; plus strand). Cytogenetic location: 8q22.1.
Variant type: Deletion.
Coding change: c.667del on transcript NM_014754.3 (MANE Select); coding-DNA position 667, one base deleted (C; older notation c.667delC).
Protein change: p.Leu223fs; shifts the reading frame from leucine 223.
Molecular consequence: frameshift variant.
Genome position (GRCh38, 1-based): chr8:96,299,760, C deleted; the last of 2 consecutive C bases (chr8:96,299,759-96,299,760); deleting either gives the same sequence. VCF-style (leftmost placement, unchanged base first): chr8-96299758-TC-T. GRCh37 (hg19) VCF-style: chr8-97311986-TC-T.
Other names: c.229del, p.Leu77fs (NM_001290225.2); short protein forms L223fs, L77fs.
Identifiers: ClinVar variation 3360212 (VCV003360212.1).